The following is an entry in ClinVar:

NM_001142800.2(EYS):c.5170G>A (p.Asp1724Asn)

Gene: EYS (EGF-like photoreceptor maintenance factor; minus strand). Cytogenetic location: 6q12.
Variant type: single nucleotide variant.
Coding change: c.5170G>A on transcript NM_001142800.2 (MANE Select); coding-DNA position 5170, G replaced by A.
Protein change: p.Asp1724Asn; replaces aspartic acid 1724 with asparagine.
Molecular consequence: missense variant.
Genome position (GRCh38, 1-based): chr6:64,590,697, C>T on the plus strand (G>A on the coding strand, the complement: EYS is on the minus strand). VCF-style: chr6-64590697-C-T. GRCh37 (hg19) VCF-style: chr6-65300590-C-T.
Other names: c.5170G>A, p.Asp1724Asn (NM_001292009.2); short protein forms D1724N.
Identifiers: ClinVar variation 2997561 (VCV002997561.3), dbSNP rs2533150465, ClinGen allele CA364781695.

ClinVar aggregate classification (germline): Uncertain significance (1 of 4 stars; one submission).

Allele frequency attached by ClinVar (database versions not stated): gnomAD exomes below 0.00001.
gnomAD v4.1: 2 of 1,551,024 alleles (0.00013%); highest among the groups gnomAD compares: Non-Finnish European, 0.00017%; no homozygotes.

Submission:

Labcorp Genetics (formerly Invitae), Labcorp
Classification: Uncertain significance. Last evaluated: 2023-10-07. Review status: criteria provided, single submitter. Criteria: Invitae Variant Classification Sherloc (09022015). Collection method: clinical testing. Allele origin: germline.
Comment: This sequence change replaces aspartic acid, which is acidic and polar, with asparagine, which is neutral and polar, at codon 1724 of the EYS protein (p.Asp1724Asn). This variant is not present in population databases (gnomAD no frequency). This variant has not been reported in the literature in individuals affected with EYS-related conditions. Algorithms developed to predict the effect of missense changes on protein structure and function output the following: SIFT: "Not Available"; PolyPhen-2: "Benign"; Align-GVGD: "Not Available". The asparagine amino acid residue is found in multiple mammalian species, which suggests that this missense change does not adversely affect protein function. In summary, the available evidence is currently insufficient to determine the role of this variant in disease. Therefore, it has been classified as a Variant of Uncertain Significance.